The following is an entry in ClinVar:

ClinVar aggregate classification (germline): Pathogenic (1 of 4 stars; one submission).

Conditions:
Duchenne muscular dystrophy (DMD). Also called: MUSCULAR DYSTROPHY, PSEUDOHYPERTROPHIC PROGRESSIVE, DUCHENNE TYPE; Duchenne Muscular Dystrophy (DMD). Identifiers: Orphanet 98896, MedGen C0013264, MONDO:0010679, OMIM 310200.

Submission:

Labcorp Genetics (formerly Invitae), Labcorp
Classification: Pathogenic for Duchenne muscular dystrophy. Last evaluated: 2022-10-25. Review status: criteria provided, single submitter. Criteria: Invitae Variant Classification Sherloc (09022015). Collection method: clinical testing. Allele origin: germline.
Comment: This variant is also known as 3482A>T. For these reasons, this variant has been classified as Pathogenic. ClinVar contains an entry for this variant (Variation ID: 1322695). This premature translational stop signal has been observed in individual(s) with Duchenne muscular dystrophy (PMID: 12398835). This variant is not present in population databases (gnomAD no frequency). This sequence change creates a premature translational stop signal (p.Arg1092*) in the DMD gene. It is expected to result in an absent or disrupted protein product. Loss-of-function variants in DMD are known to be pathogenic (PMID: 16770791, 25007885).

Literature cited by the submitters: PubMed 12398835; PubMed 16770791; PubMed 25007885.

NM_004006.3(DMD):c.3274A>T (p.Arg1092Ter)

Gene: DMD (dystrophin; minus strand). Cytogenetic location: Xp21.1.
Variant type: single nucleotide variant.
Coding change: c.3274A>T on transcript NM_004006.3 (MANE Select); coding-DNA position 3274, A replaced by T.
Protein change: p.Arg1092Ter; replaces arginine 1092 with a stop codon.
Molecular consequence: nonsense.
Genome position (GRCh38, 1-based): chrX:32,464,588, T>A on the plus strand (A>T on the coding strand, the complement: DMD is on the minus strand). VCF-style: chrX-32464588-T-A. GRCh37 (hg19) VCF-style: chrX-32482705-T-A.
Other names: c.3250A>T, p.Arg1084Ter (NM_000109.4); c.3262A>T, p.Arg1088Ter (NM_004009.3); c.2905A>T, p.Arg969Ter (NM_004010.3); short protein forms R1084*, R1088*, R1092*, R969*.
Identifiers: ClinVar variation 1322695 (VCV001322695.6), dbSNP rs2148427138, ClinGen allele CA412664679.